The following is an entry in ClinVar:

NM_000057.4(BLM):c.2722_2731dup (p.Asp911fs)

Gene: BLM (BLM RecQ like helicase; plus strand). Cytogenetic location: 15q26.1.
Variant type: Duplication.
Coding change: c.2722_2731dup on transcript NM_000057.4 (MANE Select); coding-DNA positions 2722 to 2731, 10 bases duplicated (TTACAGAGAG; older notation c.2722_2731dupTTACAGAGAG).
Protein change: p.Asp911fs; shifts the reading frame from aspartic acid 911.
Molecular consequence: frameshift variant.
Genome position (GRCh38, 1-based): chr15:90,784,980-90,784,989, TTACAGAGAG duplicated; duplicating any 10 consecutive bases within chr15:90,784,979-90,784,989 gives the same sequence; the c. name uses the placement nearest the transcript's 3' end. VCF-style (leftmost placement, unchanged base first): chr15-90784978-C-CGTTACAGAGA. GRCh37 (hg19) VCF-style: chr15-91328208-C-CGTTACAGAGA.
Other names: c.2722_2731dup, p.Asp911fs (NM_001287246.2, NM_001287247.2); c.1597_1606dup, p.Asp536fs (NM_001287248.2); short protein forms D536fs, D911fs.
Identifiers: ClinVar variation 4721108 (VCV004721108.1).

ClinVar aggregate classification (germline): Pathogenic (1 of 4 stars; one submission).

Conditions:
Bloom syndrome (BLM). Also called: Bloom-Torre-Machacek syndrome. Identifiers: Orphanet 125, MedGen C0005859, MONDO:0008876, OMIM 210900.

Submission:

Labcorp Genetics (formerly Invitae), Labcorp
Classification: Pathogenic for Bloom syndrome. Last evaluated: 2025-06-10. Review status: criteria provided, single submitter. Criteria: Invitae Variant Classification Sherloc (09022015). Collection method: clinical testing. Allele origin: germline.
Comment: This sequence change creates a premature translational stop signal (p.Asp911Valfs*17) in the BLM gene. It is expected to result in an absent or disrupted protein product. Loss-of-function variants in BLM are known to be pathogenic (PMID: 17407155). This variant is not present in population databases (gnomAD no frequency). This variant has not been reported in the literature in individuals affected with BLM-related conditions. For these reasons, this variant has been classified as Pathogenic.

Literature cited by the submitters: PubMed 17407155.